The following is an entry in ClinVar:

NM_004793.4(LONP1):c.788C>T (p.Thr263Ile)

Gene: LONP1 (lon peptidase 1, mitochondrial; minus strand). Cytogenetic location: 19p13.3.
Variant type: single nucleotide variant.
Coding change: c.788C>T on transcript NM_004793.4 (MANE Select); coding-DNA position 788, C replaced by T.
Protein change: p.Thr263Ile; replaces threonine 263 with isoleucine.
Molecular consequence: missense variant. On other transcripts: non-coding transcript variant (1).
Genome position (GRCh38, 1-based): chr19:5,711,853, G>A on the plus strand (C>T on the coding strand, the complement: LONP1 is on the minus strand). VCF-style: chr19-5711853-G-A. GRCh37 (hg19) VCF-style: chr19-5711864-G-A.
Other names: c.596C>T, p.Thr199Ile (NM_001276479.2); c.200C>T, p.Thr67Ile (NM_001276480.1); c.788C>T (NM_004793.2); short protein forms T67I, T263I, T199I.
Identifiers: ClinVar variation 1030843 (VCV001030843.31), dbSNP rs139791767, ClinGen allele CA9114969.

ClinVar aggregate classification (germline): Conflicting classifications of pathogenicity. Review status: criteria provided, conflicting classifications (1 of 4 stars). 4 submissions from 4 submitters: Uncertain significance (2); Likely benign (2). Last evaluated 2026-09-01.

Conditions:
Inborn genetic diseases. Identifiers: MedGen C0950123, MeSH D030342.
CODAS syndrome. Also called: CEREBRAL, OCULAR, DENTAL, AURICULAR, AND SKELETAL ANOMALIES SYNDROME. Identifiers: Orphanet 1458, MedGen C1838180, MONDO:0010879, OMIM 600373.

Allele frequency attached by ClinVar (database versions not stated): ESP Exome Variant Server 0.00008; gnomAD 0.00009 and 0.00011; gnomAD exomes 0.00009 and 0.00024; TOPMed 0.00011; ExAC 0.00012.
gnomAD v4.1: 361 of 1,612,702 alleles (0.022%); highest among the groups gnomAD compares: Non-Finnish European, 0.029%; no homozygotes.

Submissions (4):

CeGaT Center for Human Genetics Tuebingen
Classification: Likely benign. Last evaluated: 2026-09-01. Review status: criteria provided, single submitter. Criteria: CeGaT Center For Human Genetics Tuebingen Variant Classification Criteria Version 2. Collection method: clinical testing. Allele origin: germline. Affected: yes. Observed: 3 variant alleles.
Comment: LONP1: BP4

Labcorp Genetics (formerly Invitae), Labcorp
Classification: Likely benign. Last evaluated: 2026-01-05. Review status: criteria provided, single submitter. Criteria: Invitae Variant Classification Sherloc (09022015). Collection method: clinical testing. Allele origin: germline.

Ambry Genetics
Classification: Uncertain significance for Inborn genetic diseases. Last evaluated: 2021-07-13. Review status: criteria provided, single submitter. Criteria: Ambry Variant Classification Scheme 2023. Collection method: clinical testing. Allele origin: germline.

Baylor Genetics
Classification: Uncertain significance for CODAS syndrome. Last evaluated: 2019-07-03. Review status: criteria provided, single submitter. Criteria: ACMG Guidelines, 2015. Collection method: clinical testing. Allele origin: unknown. Affected: yes.
Comment: This variant was determined to be of uncertain significance according to ACMG Guidelines, 2015 [PMID:25741868].